The following is an entry in ClinVar:

NM_000152.5(GAA):c.925G>T (p.Gly309Trp)

Gene: GAA (alpha glucosidase; plus strand). Cytogenetic location: 17q25.3.
Variant type: single nucleotide variant.
Coding change: c.925G>T on transcript NM_000152.5 (MANE Select); coding-DNA position 925, G replaced by T.
Protein change: p.Gly309Trp; replaces glycine 309 with tryptophan.
Molecular consequence: missense variant.
Genome position (GRCh38, 1-based): chr17:80,107,866, G>T. VCF-style: chr17-80107866-G-T. GRCh37 (hg19) VCF-style: chr17-78081665-G-T.
Other names: c.925G>T, p.Gly309Trp (NM_001079803.3, NM_001079804.3, NM_001406741.1 and 1 more transcripts); short protein forms G309W.
Identifiers: ClinVar variation 2729477 (VCV002729477.3), dbSNP rs543300039, ClinGen allele CA401364062.

ClinVar aggregate classification (germline): Likely pathogenic (1 of 4 stars; one submission).

Conditions:
Glycogen storage disease, type II (IOPD). Also called: Glycogen storage disease type 2; Acid maltase deficiency disease; Aglucosidase alfa; Deficiency of alpha-glucosidase; Deficiency of lysosomal alpha-glucosidase; POMPE DISEASE, INFANTILE-ONSET. Identifiers: Orphanet 365, MedGen C0017921, MONDO:0009290, OMIM 232300.

gnomAD v4.1: 1 of 1,611,604 alleles (0.000062%); highest among the groups gnomAD compares: Non-Finnish European, 0.000085%; no homozygotes.

Submission:

Labcorp Genetics (formerly Invitae), Labcorp
Classification: Likely pathogenic for Glycogen storage disease, type II. Last evaluated: 2023-06-25. Review status: criteria provided, single submitter. Criteria: Invitae Variant Classification Sherloc (09022015). Collection method: clinical testing. Allele origin: germline.
Comment: In summary, the currently available evidence indicates that the variant is pathogenic, but additional data are needed to prove that conclusively. Therefore, this variant has been classified as Likely Pathogenic. This variant disrupts the p.Gly309 amino acid residue in GAA. Other variant(s) that disrupt this residue have been determined to be pathogenic (PMID: 9660056, 16917947, 17210890, 17616415, 23601496, 24245577, 24495340, 29122469). This suggests that this residue is clinically significant, and that variants that disrupt this residue are likely to be disease-causing. Advanced modeling of protein sequence and biophysical properties (such as structural, functional, and spatial information, amino acid conservation, physicochemical variation, residue mobility, and thermodynamic stability) performed at Invitae indicates that this missense variant is expected to disrupt GAA protein function. This variant has not been reported in the literature in individuals affected with GAA-related conditions. This variant is not present in population databases (gnomAD no frequency). This sequence change replaces glycine, which is neutral and non-polar, with tryptophan, which is neutral and slightly polar, at codon 309 of the GAA protein (p.Gly309Trp).

Literature cited by the submitters: PubMed 9660056; PubMed 16917947; PubMed 17210890; PubMed 17616415; PubMed 23601496; PubMed 24245577; PubMed 24495340; PubMed 29122469.